The following is an entry in ClinVar:

ClinVar aggregate classification (germline): Uncertain significance. Review status: criteria provided, multiple submitters, no conflicts (2 of 4 stars). 2 submissions from 2 submitters: Uncertain significance (2). Last evaluated 2024-11-19.

Conditions:
Cohen syndrome (COH1). Also called: PEPPER SYNDROME; Cutis verticis gyrata, retinitis pigmentosa, and sensorineural deafness. Identifiers: Orphanet 193, MedGen C0265223, MONDO:0008999, OMIM 216550.
VPS13B-related disorder. Also called: VPS13B-related condition.

Allele frequency attached by ClinVar (database versions not stated): gnomAD exomes below 0.00001 and 0.00001; ExAC 0.00001.
gnomAD v4.1: 2 of 1,613,888 alleles (0.00012%); highest among the groups gnomAD compares: Non-Finnish European, 0.00017%; no homozygotes.

Submissions (2):

PreventionGenetics, part of Exact Sciences
Classification: Uncertain significance for VPS13B-related condition. Last evaluated: 2024-11-19. Review status: criteria provided, single submitter. Criteria: ACMG Guidelines, 2015. Collection method: clinical testing. Allele origin: germline.
Comment: The VPS13B c.8110G>A variant is predicted to result in the amino acid substitution p.Gly2704Arg. This variant has been reported in a compound heterozygous patient with Cohen Syndrome (Table S5, Yu et al. 2013. PubMed ID: 23352163). This variant is reported in 0.0018% of alleles in individuals of European (Non-Finnish) descent in gnomAD. At this time, the clinical significance of this variant is uncertain due to the absence of conclusive functional and genetic evidence.

Labcorp Genetics (formerly Invitae), Labcorp
Classification: Uncertain significance for Cohen syndrome. Last evaluated: 2019-10-02. Review status: criteria provided, single submitter. Criteria: Invitae Variant Classification Sherloc (09022015). Collection method: clinical testing. Allele origin: germline.
Comment: In summary, the available evidence is currently insufficient to determine the role of this variant in disease. Therefore, it has been classified as a Variant of Uncertain Significance. Algorithms developed to predict the effect of sequence changes on RNA splicing suggest that this variant may create or strengthen a splice site, but this prediction has not been confirmed by published transcriptional studies. Algorithms developed to predict the effect of missense changes on protein structure and function are either unavailable or do not agree on the potential impact of this missense change (SIFT: "Deleterious"; PolyPhen-2: "Probably Damaging"; Align-GVGD: "Class C0"). This variant has been observed in an individual affected with clinical features of Cohen syndrome (PMID: 23352163). This variant is also known as p.G2704R in the literature. This variant is present in population databases (rs767536787, ExAC 0.002%). This sequence change replaces glycine with arginine at codon 2729 of the VPS13B protein (p.Gly2729Arg). The glycine residue is moderately conserved and there is a moderate physicochemical difference between glycine and arginine.

Literature cited by the submitters: PubMed 23352163 (cited by Labcorp Genetics (formerly Invitae), Labcorp).

NM_152564.5(VPS13B):c.8110G>A (p.Gly2704Arg)

Gene: VPS13B (vacuolar protein sorting 13 homolog B; plus strand). Cytogenetic location: 8q22.2.
Variant type: single nucleotide variant.
Coding change: c.8110G>A on transcript NM_152564.5 (MANE Select); coding-DNA position 8110, G replaced by A.
Protein change: p.Gly2704Arg; replaces glycine 2704 with arginine.
Molecular consequence: missense variant.
Genome position (GRCh38, 1-based): chr8:99,817,552, G>A. VCF-style: chr8-99817552-G-A. GRCh37 (hg19) VCF-style: chr8-100829780-G-A.
Other names: c.8110G>A (NM_152564.4); c.8185G>A, p.Gly2729Arg (NM_017890.5); short protein forms G2704R, G2729R.
Identifiers: ClinVar variation 971067 (VCV000971067.8), dbSNP rs767536787, ClinGen allele CA4824394.